The following is an entry in ClinVar:

NM_020937.4(FANCM):c.1788+2T>A

Gene: FANCM (FA complementation group M; plus strand). Cytogenetic location: 14q21.2.
Variant type: single nucleotide variant.
Coding change: c.1788+2T>A on transcript NM_020937.4 (MANE Select); the canonical splice donor site of the intron after coding-DNA position 1788, T replaced by A.
Molecular consequence: splice donor variant.
Genome position (GRCh38, 1-based): chr14:45,164,567, T>A. VCF-style: chr14-45164567-T-A. GRCh37 (hg19) VCF-style: chr14-45633770-T-A.
Other names: c.1710+2T>A (NM_001308133.2); c.1788+2T>A (NM_001308134.2).
Identifiers: ClinVar variation 2582919 (VCV002582919.25), dbSNP rs1887832871, ClinGen allele CA389594291.

ClinVar aggregate classification (germline): Likely pathogenic (1 of 4 stars; one submission).

Allele frequency attached by ClinVar (database versions not stated): TOPMed below 0.00001; gnomAD 0.00001.
gnomAD v4.1: 1 of 1,603,864 alleles (0.000062%); highest among the groups gnomAD compares: Non-Finnish European, 0.000085%; no homozygotes.

Submission:

CeGaT Center for Human Genetics Tuebingen
Classification: Likely pathogenic. Last evaluated: 2023-09-01. Review status: criteria provided, single submitter. Criteria: CeGaT Center For Human Genetics Tuebingen Variant Classification Criteria Version 2. Collection method: clinical testing. Allele origin: germline. Affected: yes. Observed: 1 variant allele.
Comment: FANCM: PVS1:Strong, PM2